The following is an entry in ClinVar:

NM_005343.4(HRAS):c.178G>A (p.Gly60Ser)

Genes: HRAS (HRas proto-oncogene, GTPase; minus strand), LRRC56 (leucine rich repeat containing 56; plus strand). Cytogenetic location: 11p15.5.
Variant type: single nucleotide variant.
Coding change: c.178G>A on transcript NM_005343.4 (MANE Select); coding-DNA position 178, G replaced by A.
Protein change: p.Gly60Ser; replaces glycine 60 with serine.
Molecular consequence: missense variant. On other transcripts: 5 prime UTR variant (1).
Genome position (GRCh38, 1-based): chr11:533,878, C>T on the plus strand (G>A on the coding strand, the complement: HRAS is on the minus strand). VCF-style: chr11-533878-C-T. GRCh37 (hg19) VCF-style: chr11-533878-C-T.
Other names: c.178G>A, p.Gly60Ser (NM_001130442.3, NM_176795.5); c.-142G>A (NM_001318054.2); short protein forms G60S.
Identifiers: ClinVar variation 660897 (VCV000660897.10), dbSNP rs1589792804, ClinGen allele CA378924681.

ClinVar aggregate classification (germline): Likely pathogenic. Review status: criteria provided, multiple submitters, no conflicts (2 of 4 stars). 2 submissions from 2 submitters: Likely pathogenic (2). Last evaluated 2022-11-29.

Conditions:
HRAS-related disorders.
Costello syndrome (CSTLO). Also called: FACIOCUTANEOSKELETAL SYNDROME; FCS SYNDROME; HRAS-Related Costello Syndrome. Identifiers: Orphanet 3071, MedGen C0587248, MONDO:0009026, OMIM 218040.

gnomAD v4.1: 1 of 1,613,278 alleles (0.000062%); highest among the groups gnomAD compares: Non-Finnish European, 0.000085%; no homozygotes.

Submissions (2):

Labcorp Genetics (formerly Invitae), Labcorp
Classification: Likely pathogenic for Costello syndrome. Last evaluated: 2022-11-29. Review status: criteria provided, single submitter. Criteria: Invitae Variant Classification Sherloc (09022015). Collection method: clinical testing. Allele origin: germline.
Comment: This sequence change replaces glycine, which is neutral and non-polar, with serine, which is neutral and polar, at codon 60 of the HRAS protein (p.Gly60Ser). This variant is not present in population databases (gnomAD no frequency). In summary, the currently available evidence indicates that the variant is pathogenic, but additional data are needed to prove that conclusively. Therefore, this variant has been classified as Likely Pathogenic. This variant has not been reported in the literature in individuals affected with HRAS-related conditions. ClinVar contains an entry for this variant (Variation ID: 660897). Advanced modeling of protein sequence and biophysical properties (such as structural, functional, and spatial information, amino acid conservation, physicochemical variation, residue mobility, and thermodynamic stability) performed at Invitae indicates that this missense variant is expected to disrupt HRAS protein function. This variant disrupts the p.Gly60 amino acid residue in HRAS. Other variant(s) that disrupt this residue have been determined to be pathogenic (PMID: 25914166, 28139825). This suggests that this residue is clinically significant, and that variants that disrupt this residue are likely to be disease-causing.

Blueprint Genetics
Classification: Likely pathogenic for HRAS-related disorders. Last evaluated: 2019-10-24. Review status: criteria provided, single submitter. Criteria: ACMG Guidelines, 2015. Collection method: clinical testing. Allele origin: germline. Affected: yes. Observed: 1 variant allele.

Literature cited by the submitters: PubMed 25914166 (cited by Labcorp Genetics (formerly Invitae), Labcorp); PubMed 28139825 (cited by Labcorp Genetics (formerly Invitae), Labcorp).